The following is an entry in ClinVar:

NM_004360.5(CDH1):c.1392C>G (p.Val464=)

Gene: CDH1 (cadherin 1; plus strand). Cytogenetic location: 16q22.1.
Variant type: single nucleotide variant.
Coding change: c.1392C>G on transcript NM_004360.5 (MANE Select); coding-DNA position 1392, C replaced by G.
Protein change: p.Val464=; no amino-acid change (valine 464 retained).
Molecular consequence: synonymous variant. On other transcripts: 5 prime UTR variant (2).
Genome position (GRCh38, 1-based): chr16:68,815,586, C>G. VCF-style: chr16-68815586-C-G. GRCh37 (hg19) VCF-style: chr16-68849489-C-G.
Other names: c.1209C>G, p.Val403= (NM_001317184.2); c.-157C>G (NM_001317185.2); c.-428C>G (NM_001317186.2); c.1392C>G (LRG_301t1).
Identifiers: ClinVar variation 479532 (VCV000479532.17), dbSNP rs373811706, ClinGen allele CA496153955.

ClinVar aggregate classification (germline): Benign/Likely benign. Review status: criteria provided, multiple submitters, no conflicts (2 of 4 stars). 4 submissions from 4 submitters: Benign (1); Likely benign (3). Last evaluated 2024-09-18.

Conditions:
Hereditary cancer-predisposing syndrome. Also called: Tumor predisposition; Neoplastic Syndromes, Hereditary; Hereditary Cancer Syndrome; Hereditary neoplastic syndrome. Identifiers: Orphanet 140162, MedGen C0027672, MeSH D009386, MONDO:0015356.
Hereditary diffuse gastric adenocarcinoma (HDGC). Also called: DIFFUSE GASTRIC AND LOBULAR BREAST CANCER SYNDROME. Identifiers: Orphanet 26106, MedGen C1708349, MONDO:0007648, OMIM 137215.

gnomAD v4.1: 1 of 1,614,218 alleles (0.000062%); highest among the groups gnomAD compares: Non-Finnish European, 0.000085%; no homozygotes.

Submissions (4):

Myriad Genetics, Inc.
Classification: Benign for Hereditary diffuse gastric adenocarcinoma. Last evaluated: 2024-09-18. Review status: criteria provided, single submitter. Criteria: Myriad Autosomal Dominant, Autosomal Recessive and X-Linked Classification Criteria (2023). Collection method: clinical testing. Allele origin: unknown.
Comment: This variant is considered benign. This variant is a silent/synonymous amino acid change and it is not expected to impact splicing.

Labcorp Genetics (formerly Invitae), Labcorp
Classification: Likely benign for Hereditary diffuse gastric adenocarcinoma. Last evaluated: 2023-12-14. Review status: criteria provided, single submitter. Criteria: Invitae Variant Classification Sherloc (09022015). Collection method: clinical testing. Allele origin: germline.

Color Diagnostics, LLC DBA Color Health
Classification: Likely benign for Hereditary cancer-predisposing syndrome. Last evaluated: 2021-11-12. Review status: criteria provided, single submitter. Criteria: ACMG Guidelines, 2015. Collection method: clinical testing. Allele origin: germline.

Ambry Genetics
Classification: Likely benign for Hereditary cancer-predisposing syndrome. Last evaluated: 2017-08-07. Review status: criteria provided, single submitter. Criteria: Ambry Variant Classification Scheme 2023. Collection method: clinical testing. Allele origin: germline.